The following is an entry in ClinVar:

ClinVar aggregate classification (germline): Likely benign. Review status: criteria provided, multiple submitters, no conflicts (2 of 4 stars). 2 submissions from 2 submitters: Likely benign (2). Last evaluated 2026-01-10.

Conditions:
POLD1-related polyposis and colorectal cancer syndrome (CRCS10). Also called: COLORECTAL CANCER, SUSCEPTIBILITY TO, ON CHROMOSOME 19q; Colorectal cancer 10; Colorectal cancer, susceptibility to, 10. Identifiers: Orphanet 220460, MedGen C2675481, MONDO:0012953, OMIM 612591.

Allele frequency attached by ClinVar (database versions not stated): TOPMed 0.00001; gnomAD 0.00002; gnomAD exomes 0.00001 and below 0.00001; ExAC 0.00001.
gnomAD v4.1: 7 of 1,577,680 alleles (0.00044%); highest among the groups gnomAD compares: Non-Finnish European, 0.0006%; no homozygotes.

Submissions (2):

Labcorp Genetics (formerly Invitae), Labcorp
Classification: Likely benign for POLD1-related polyposis and colorectal cancer syndrome. Last evaluated: 2026-01-10. Review status: criteria provided, single submitter. Criteria: Invitae Variant Classification Sherloc (09022015). Collection method: clinical testing. Allele origin: germline.

Myriad Genetics, Inc.
Classification: Likely benign for POLD1-related polyposis and colorectal cancer syndrome. Last evaluated: 2025-02-05. Review status: criteria provided, single submitter. Criteria: Myriad Autosomal Dominant, Autosomal Recessive and X-Linked Classification Criteria (2023). Collection method: clinical testing. Allele origin: unknown.
Comment: This variant is considered likely benign. This variant is intronic and is not expected to impact mRNA splicing.

NM_002691.4(POLD1):c.970+9C>T

Gene: POLD1 (DNA polymerase delta 1, catalytic subunit; plus strand). Cytogenetic location: 19q13.33.
Variant type: single nucleotide variant.
Coding change: c.970+9C>T on transcript NM_002691.4 (MANE Select); 9 bases into the intron after coding-DNA position 970, C replaced by T.
Molecular consequence: intron variant.
Genome position (GRCh38, 1-based): chr19:50,402,750, C>T. VCF-style: chr19-50402750-C-T. GRCh37 (hg19) VCF-style: chr19-50906007-C-T.
Other names: c.970+9C>T (LRG_785t2, LRG_785t1, NM_001256849.1 and 1 more transcripts).
Identifiers: ClinVar variation 239377 (VCV000239377.12), dbSNP rs768037062, ClinGen allele CA9595970.